The following is an entry in ClinVar:

NM_004369.4(COL6A3):c.1471_1475delinsCACAG (p.Asp491_Thr492delinsHisSer)

Gene: COL6A3 (collagen type VI alpha 3 chain; minus strand). Cytogenetic location: 2q37.3.
Variant type: Indel.
Coding change: c.1471_1475delinsCACAG on transcript NM_004369.4 (MANE Select); coding-DNA positions 1471 to 1475, GACAC replaced by CACAG.
Protein change: p.Asp491_Thr492delinsHisSer.
Molecular consequence: missense variant.
Genome position (GRCh38, 1-based): chr2:237,381,337-237,381,341, GTGTC replaced by CTGTG on the plus strand (GACAC replaced by CACAG on the coding strand, the reverse complement: COL6A3 is on the minus strand). VCF-style: chr2-237381337-GTGTC-CTGTG. GRCh37 (hg19) VCF-style: chr2-238289980-GTGTC-CTGTG.
Other names: c.250_254delinsCACAG, p.Asp84_Thr85delinsHisSer (NM_057164.5, NM_057166.5); c.853_857delinsCACAG, p.Asp285_Thr286delinsHisSer (NM_057165.5, NM_057167.4); c.1471_1475delGACACinsCACAG (NM_004369.3).
Identifiers: ClinVar variation 419018 (VCV000419018.1), dbSNP rs1064793587, ClinGen allele CA16617505.

ClinVar aggregate classification (germline): Likely benign (1 of 4 stars; one submission).

Submission:

GeneDx
Classification: Likely benign. Last evaluated: 2015-05-07. Review status: criteria provided, single submitter. Criteria: GeneDx Variant Classification (06012015). Collection method: clinical testing. Allele origin: germline. Affected: yes.
Comment: This variant is considered likely benign or benign based on one or more of the following criteria: it is a conservative change, it occurs at a poorly conserved position in the protein, it is predicted to be benign by multiple in silico algorithms, and/or has population frequency not consistent with disease.